The following is an entry in ClinVar:

NM_001267550.2(TTN):c.50016G>A (p.Trp16672Ter)

Genes: TTN (titin; minus strand), TTN-AS1 (TTN antisense RNA 1; plus strand). Cytogenetic location: 2q31.2.
Variant type: single nucleotide variant.
Coding change: c.50016G>A on transcript NM_001267550.2 (MANE Select); coding-DNA position 50016, G replaced by A.
Protein change: p.Trp16672Ter; replaces tryptophan 16672 with a stop codon.
Molecular consequence: nonsense.
Genome position (GRCh38, 1-based): chr2:178,612,509, C>T on the plus strand (G>A on the coding strand, the complement: TTN is on the minus strand). VCF-style: chr2-178612509-C-T. GRCh37 (hg19) VCF-style: chr2-179477236-C-T.
Other names: c.45093G>A, p.Trp15031Ter (NM_001256850.1); c.22821G>A, p.Trp7607Ter (NM_003319.4); c.42312G>A, p.Trp14104Ter (NM_133378.4); c.23196G>A, p.Trp7732Ter (NM_133432.3); c.23397G>A, p.Trp7799Ter (NM_133437.4); short protein forms W14104*, W15031*, W16672*, W7607*, W7732*, W7799*.
Identifiers: ClinVar variation 1067666 (VCV001067666.9), dbSNP rs2154200433, ClinGen allele CA349599777.

ClinVar aggregate classification (germline): Likely pathogenic (1 of 4 stars; one submission).

Conditions:
Dilated cardiomyopathy 1G (CMD1G). Identifiers: Orphanet 154, MedGen C1858763, MONDO:0011400, OMIM 604145.
Autosomal recessive limb-girdle muscular dystrophy type 2J (LGMDR10). Also called: Limb-girdle muscular dystrophy, type 2J; MUSCULAR DYSTROPHY, LIMB-GIRDLE, AUTOSOMAL RECESSIVE 10. Identifiers: Orphanet 140922, MedGen C1837342, MONDO:0012127, OMIM 608807.

Submission:

Labcorp Genetics (formerly Invitae), Labcorp
Classification: Likely pathogenic for Dilated cardiomyopathy 1G; Autosomal recessive limb-girdle muscular dystrophy type 2J. Last evaluated: 2022-10-24. Review status: criteria provided, single submitter. Criteria: Invitae Variant Classification Sherloc (09022015). Collection method: clinical testing. Allele origin: germline.
Comment: This variant has not been reported in the literature in individuals affected with TTN-related conditions. In summary, the currently available evidence indicates that the variant is pathogenic, but additional data are needed to prove that conclusively. Therefore, this variant has been classified as Likely Pathogenic. This variant is located in the A band of TTN (PMID: 25589632). Truncating variants in this region are significantly overrepresented in patients affected with dilated cardiomyopathy (PMID: 25589632). Truncating variants in this region have also been reported in individuals affected with autosomal recessive centronuclear myopathy (PMID: 23975875). ClinVar contains an entry for this variant (Variation ID: 1067666). This variant is not present in population databases (gnomAD no frequency). This sequence change creates a premature translational stop signal (p.Trp16672*) in the TTN gene. While this is not anticipated to result in nonsense mediated decay, it is expected to create a truncated TTN protein.

Literature cited by the submitters: PubMed 25589632; PubMed 23975875.